The following is an entry in ClinVar:

NM_000375.3(UROS):c.559C>G (p.Gln187Glu)

Gene: UROS (uroporphyrinogen III synthase; minus strand). Cytogenetic location: 10q26.2.
Variant type: single nucleotide variant.
Coding change: c.559C>G on transcript NM_000375.3 (MANE Select); coding-DNA position 559, C replaced by G.
Protein change: p.Gln187Glu; replaces glutamine 187 with glutamic acid.
Molecular consequence: missense variant. On other transcripts: non-coding transcript variant (4).
Genome position (GRCh38, 1-based): chr10:125,796,105, G>C on the plus strand (C>G on the coding strand, the complement: UROS is on the minus strand). VCF-style: chr10-125796105-G-C. GRCh37 (hg19) VCF-style: chr10-127484674-G-C.
Other names: c.559C>G, p.Gln187Glu (NM_001324036.2); c.478C>G, p.Gln160Glu (NM_001324037.2, NM_001324038.2); short protein forms Q160E, Q187E.
Identifiers: ClinVar variation 2565887 (VCV002565887.4), dbSNP rs776366821, ClinGen allele CA5738403.

ClinVar aggregate classification (germline): Uncertain significance. Review status: criteria provided, multiple submitters, no conflicts (2 of 4 stars). 2 submissions from 2 submitters: Uncertain significance (2). Last evaluated 2025-12-15.

Conditions:
Inborn genetic diseases. Identifiers: MedGen C0950123, MeSH D030342.

Allele frequency attached by ClinVar (database versions not stated): ExAC 0.00003; gnomAD 0.00003; TOPMed 0.00003.
gnomAD v4.1: 48 of 1,613,988 alleles (0.003%); highest among the groups gnomAD compares: Admixed American, 0.027%; 1 homozygote.

Submissions (2):

Labcorp Genetics (formerly Invitae), Labcorp
Classification: Uncertain significance. Last evaluated: 2025-12-15. Review status: criteria provided, single submitter. Criteria: Invitae Variant Classification Sherloc (09022015). Collection method: clinical testing. Allele origin: germline.
Comment: This sequence change replaces glutamine, which is neutral and polar, with glutamic acid, which is acidic and polar, at codon 187 of the UROS protein (p.Gln187Glu). This variant is present in population databases (rs776366821, gnomAD 0.02%). This variant has not been reported in the literature in individuals affected with UROS-related conditions. ClinVar contains an entry for this variant (Variation ID: 2565887). Invitae Evidence Modeling of protein sequence and biophysical properties (such as structural, functional, and spatial information, amino acid conservation, physicochemical variation, residue mobility, and thermodynamic stability) indicates that this missense variant is not expected to disrupt UROS protein function with a negative predictive value of 95%. In summary, the available evidence is currently insufficient to determine the role of this variant in disease. Therefore, it has been classified as a Variant of Uncertain Significance.

Ambry Genetics
Classification: Uncertain significance for Inborn genetic diseases. Last evaluated: 2025-08-01. Review status: criteria provided, single submitter. Criteria: Ambry Variant Classification Scheme 2023. Collection method: clinical testing. Allele origin: germline.